The following is an entry in ClinVar:

ClinVar aggregate classification (germline): Conflicting classifications of pathogenicity. Review status: criteria provided, conflicting classifications (1 of 4 stars). 8 submissions from 8 submitters: Uncertain significance (5); Likely benign (2). 1 of the submissions does not count toward it. Last evaluated 2025-09-22.

Conditions:
ATM-related cancer predisposition. Also called: ATM-related cancer susceptibility. Identifiers: MedGen CN377759, MONDO:0700270.
ATM-related disorder. Also called: ATM-related disorders; ATM-related condition.
Hereditary cancer-predisposing syndrome. Also called: Tumor predisposition; Hereditary neoplastic syndrome; Hereditary Cancer Syndrome; Neoplastic Syndromes, Hereditary. Identifiers: Orphanet 140162, MedGen C0027672, MeSH D009386, MONDO:0015356.
Familial cancer of breast. Also called: BREAST CANCER, FAMILIAL; Hereditary breast cancer; hereditary breast carcinoma. Identifiers: Orphanet 227535, MedGen C0346153, MONDO:0016419, OMIM 114480. Disease mechanism: loss of function.
Ataxia-telangiectasia syndrome (AT). Also called: Ataxia telangiectasia (A-T); Ataxia-telangiectasia, complementation group E; ATAXIA-TELANGIECTASIA, COMPLEMENTATION GROUP A; ATAXIA-TELANGIECTASIA, FRESNO VARIANT; Ataxia-telangiectasia; Cerebello-oculocutaneous telangiectasia. Identifiers: Orphanet 100, MedGen C0004135, MONDO:0008840, OMIM 208900.

Allele frequency attached by ClinVar (database versions not stated): gnomAD exomes below 0.00001; gnomAD 0.00001 and 0.00002; TOPMed 0.00002.
gnomAD v4.1: 3 of 1,613,806 alleles (0.00019%); highest among the groups gnomAD compares: African/African-American, 0.004%; no homozygotes.

Submissions (8):

Myriad Genetics, Inc.
Classification: Likely benign for Familial cancer of breast. Last evaluated: 2025-09-22. Review status: criteria provided, single submitter. Criteria: Myriad Autosomal Dominant, Autosomal Recessive and X-Linked Classification Criteria (2023). Collection method: clinical testing. Allele origin: unknown.
Comment: This variant is considered likely benign. This variant is strongly associated with less severe personal and family histories of cancer, typical for individuals without pathogenic variants in this gene [PMID: 25085752].

Labcorp Genetics (formerly Invitae), Labcorp
Classification: Uncertain significance for Ataxia-telangiectasia syndrome. Last evaluated: 2025-08-28. Review status: criteria provided, single submitter. Criteria: Invitae Variant Classification Sherloc (09022015). Collection method: clinical testing. Allele origin: germline.
Comment: This sequence change replaces arginine, which is basic and polar, with glycine, which is neutral and non-polar, at codon 568 of the ATM protein (p.Arg568Gly). This variant is not present in population databases (gnomAD no frequency). This variant has not been reported in the literature in individuals affected with ATM-related conditions. ClinVar contains an entry for this variant (Variation ID: 231883). Invitae Evidence Modeling of protein sequence and biophysical properties (such as structural, functional, and spatial information, amino acid conservation, physicochemical variation, residue mobility, and thermodynamic stability) indicates that this missense variant is not expected to disrupt ATM protein function with a negative predictive value of 95%. RNA analysis performed to evaluate the impact of this missense change on mRNA splicing indicates it does not significantly alter splicing (internal data). In summary, the available evidence is currently insufficient to determine the role of this variant in disease. Therefore, it has been classified as a Variant of Uncertain Significance.

Dasa
Classification: Uncertain significance for ATM-related cancer predisposition. Last evaluated: 2025-06-06. Review status: criteria provided, single submitter. Criteria: DASA Assertion Criteria. Collection method: clinical testing. Allele origin: germline.
Comment: NM_000051.4(ATM):c.1702A>G (p.Arg568Gly) is a missense variant that results in the substitution of arginine with glycine. This variant is rare in population databases. Computational prediction algorithms are consistent with a benign effect. The currently available literature and clinical evidence are not sufficient to establish a definitive association between this variant and the reported condition. Therefore, this variant is classified as a variant of uncertain significance.

Color Diagnostics, LLC DBA Color Health
Classification: Uncertain significance for Hereditary cancer-predisposing syndrome. Last evaluated: 2025-04-28. Review status: criteria provided, single submitter. Criteria: ACMG Guidelines, 2015. Collection method: clinical testing. Allele origin: germline.
Comment: This missense variant replaces arginine with glycine at codon 568 of the ATM protein. Computational prediction suggests that this variant may not impact protein structure and function. To our knowledge, functional studies have not been reported for this variant. This variant has not been reported in individuals affected with ATM-related disorders in the literature. This variant has not been identified in the general population by the Genome Aggregation Database (gnomAD). The available evidence is insufficient to determine the role of this variant in disease conclusively. Therefore, this variant is classified as a Variant of Uncertain Significance.

Ambry Genetics
Classification: Likely benign for Hereditary cancer-predisposing syndrome. Last evaluated: 2024-08-21. Review status: criteria provided, single submitter. Criteria: Ambry Variant Classification Scheme 2023. Collection method: clinical testing. Allele origin: germline.

Baylor Genetics
Classification: Uncertain significance for Familial cancer of breast. Last evaluated: 2024-03-08. Review status: criteria provided, single submitter. Criteria: ACMG Guidelines, 2015. Collection method: clinical testing. Allele origin: unknown.

PreventionGenetics, part of Exact Sciences
Classification: Uncertain significance for ATM-related condition. Last evaluated: 2022-12-09. Review status: criteria provided, single submitter. Criteria: ACMG Guidelines, 2015. Collection method: clinical testing. Allele origin: germline.
Comment: The ATM c.1702A>G variant is predicted to result in the amino acid substitution p.Arg568Gly. To our knowledge, this variant has not been reported in the literature or in a large population database, indicating this variant is rare. It is interpreted as uncertain significance. At this time, the clinical significance of this variant is uncertain due to the absence of conclusive functional and genetic evidence.

Natera, Inc.
Classification: Uncertain significance for Ataxia-telangiectasia. Last evaluated: 2021-02-25. Review status: no assertion criteria provided. Collection method: clinical testing. Allele origin: germline. Not counted in ClinVar's aggregate classification.

Literature cited by the submitters: PubMed 25085752 (cited by Myriad Genetics, Inc.).

NM_000051.4(ATM):c.1702A>G (p.Arg568Gly)

Gene: ATM (ATM serine/threonine kinase; plus strand). Cytogenetic location: 11q22.3.
Variant type: single nucleotide variant.
Coding change: c.1702A>G on transcript NM_000051.4 (MANE Select); coding-DNA position 1702, A replaced by G.
Protein change: p.Arg568Gly; replaces arginine 568 with glycine.
Molecular consequence: missense variant.
Genome position (GRCh38, 1-based): chr11:108,251,931, A>G. VCF-style: chr11-108251931-A-G. GRCh37 (hg19) VCF-style: chr11-108122658-A-G.
Other names: c.1702A>G, p.Arg568Gly (NM_001351834.2); short protein forms R568G.
Identifiers: ClinVar variation 231883 (VCV000231883.29), dbSNP rs876659425, ClinGen allele CA10579021.